The following is an entry in ClinVar:

NM_138694.4(PKHD1):c.2694_2715+12delinsACTAA

Gene: PKHD1 (PKHD1 ciliary IPT domain containing fibrocystin/polyductin; minus strand). Cytogenetic location: 6p12.2.
Variant type: Indel.
Coding change: c.2694_2715+12delinsACTAA on transcript NM_138694.4 (MANE Select); coding-DNA position 2694 through 12 bases into the intron after coding-DNA position 2715, the reference bases replaced by ACTAA.
Molecular consequence: splice donor variant.
Genome position (GRCh38, 1-based): chr6:52,044,954-52,044,987, 34 bases replaced. GRCh37 (hg19): chr6:51,909,752-51,909,785.
Other names: c.2694_2715+12delinsACTAA (NM_170724.3).
Identifiers: ClinVar variation 4816614 (VCV004816614.1).

ClinVar aggregate classification (germline): Likely pathogenic (1 of 4 stars; one submission).

Conditions:
Autosomal recessive polycystic kidney disease (ARPKD). Also called: AR polycystic kidney disease. Identifiers: Orphanet 731, Orphanet 8378, MedGen C0085548, MeSH D017044, MONDO:0009889.

Submission:

Natera, Inc.
Classification: Likely pathogenic for Autosomal recessive polycystic kidney disease. Last evaluated: 2025-11-14. Review status: criteria provided, single submitter. Criteria: Natera Variant Classification Schema (03/2026). Collection method: clinical testing. Allele origin: germline.
Comment: The c.2694_2715+12delinsACTAA variant in PKHD1 is a deletion-insertion (delins) variant predicted to replace one or more nucleotides with a different sequence that impacts a canonical splice donor site and part of an exon. This variant is expected to result in nonsense mediated decay, truncation, or a dysfunctional protein product. This variant is rare in the general population with a frequency below the threshold expected for the associated phenotype(s). Given the available evidence, this variant is classified as Likely Pathogenic.